The following is an entry in ClinVar:

ClinVar aggregate classification (germline): Conflicting classifications of pathogenicity; other. Review status: criteria provided, conflicting classifications (1 of 4 stars). 6 submissions from 5 submitters: Uncertain significance (3); Likely benign (2). Last evaluated 2025-12-08.

Conditions:
Familial thoracic aortic aneurysm and aortic dissection (TAAD). Also called: Thoracic aortic aneurysms and dissections. Identifiers: Orphanet 91387, MedGen C4707243, MONDO:0019625.
Cholesteatoma of middle ear. Identifiers: MedGen C0155490, MeSH D018424, MONDO:0006533.
Adams-Oliver syndrome 5 (AOS5). Identifiers: Orphanet 974, MedGen C4014970, MONDO:0014459, OMIM 616028.
Aortic valve disease 1 (AOVD1). Identifiers: MedGen C3887892, MONDO:0024523, OMIM 109730.

Allele frequency attached by ClinVar (database versions not stated): gnomAD 0.00001; gnomAD exomes 0.00001; TOPMed 0.00001; ExAC 0.00002.

Submissions (6):

Labcorp Genetics (formerly Invitae), Labcorp
Classification: Likely benign for Adams-Oliver syndrome 5. Last evaluated: 2025-12-08. Review status: criteria provided, single submitter. Criteria: Invitae Variant Classification Sherloc (09022015). Collection method: clinical testing. Allele origin: germline.

Ambry Genetics
Classification: Uncertain significance for Familial thoracic aortic aneurysm and aortic dissection. Last evaluated: 2024-02-28. Review status: criteria provided, single submitter. Criteria: Ambry Variant Classification Scheme 2023. Collection method: clinical testing. Allele origin: germline.
Comment: The p.P407L variant (also known as c.1220C>T), located in coding exon 7 of the NOTCH1 gene, results from a C to T substitution at nucleotide position 1220. The proline at codon 407 is replaced by leucine, an amino acid with similar properties. This amino acid position is not well conserved in available vertebrate species. In addition, the in silico prediction for this alteration is inconclusive. Based on the available evidence, the clinical significance of this alteration remains unclear.

Genome-Nilou Lab
Classification: Uncertain significance for Adams-Oliver syndrome 5. Last evaluated: 2022-03-15. Review status: criteria provided, single submitter. Criteria: ACMG Guidelines, 2015. Collection method: clinical testing. Allele origin: germline. Affected: no.

Genome-Nilou Lab
Classification: Uncertain significance for Aortic valve disease 1. Last evaluated: 2022-03-15. Review status: criteria provided, single submitter. Criteria: ACMG Guidelines, 2015. Collection method: clinical testing. Allele origin: germline. Affected: no.

Blueprint Genetics
Classification: Likely benign. Last evaluated: 2019-10-25. Review status: criteria provided, single submitter. Criteria: ACMG Guidelines, 2015. Collection method: clinical testing. Allele origin: germline.

Department of Human Genetics, Nagasaki University
Classification: other for Cholesteatoma of middle ear. Review status: criteria provided, single submitter. Criteria: AMP Guidelines, 2017. Collection method: research. Allele origin: somatic. Affected: yes. Observed: 1 variant allele.
Comment: variant allele frequency in tumor is 0.0433 (41/905)

NM_017617.5(NOTCH1):c.1220C>T (p.Pro407Leu)

Gene: NOTCH1 (notch receptor 1; minus strand). Cytogenetic location: 9q34.3.
Variant type: single nucleotide variant.
Coding change: c.1220C>T on transcript NM_017617.5 (MANE Select); coding-DNA position 1220, C replaced by T.
Protein change: p.Pro407Leu; replaces proline 407 with leucine.
Molecular consequence: missense variant.
Genome position (GRCh38, 1-based): chr9:136,518,172, G>A on the plus strand (C>T on the coding strand, the complement: NOTCH1 is on the minus strand). VCF-style: chr9-136518172-G-A. GRCh37 (hg19) VCF-style: chr9-139412624-G-A.
Other names: c.1220C>T, p.Pro407Leu (LRG_1122t1); short protein forms P407L.
Identifiers: ClinVar variation 637001 (VCV000637001.19), dbSNP rs754529382, ClinGen allele CA5341882.
Genomic context (GRCh38, chr9:136,518,172, plus strand): 5'-CCGCACCCCCTGTGCTGGCACCTACCCAGCGAGCACTCATCCACGTCCTGGCTGCAGGCC[G>A]GGCCCGTGTACCCCGAGGGGCAGGTGCAGATGGCCTTGCCATTGACAGGGTTGGTGTCGC-3'
Protein context (NP_060087.3, residues 397-417): ICTCPSGYTG[Pro407Leu]ACSQDVDECS